The following is an entry in ClinVar:

NM_006904.7(PRKDC):c.4048A>C (p.Asn1350His)

Gene: PRKDC (protein kinase, DNA-activated, catalytic subunit; minus strand). Cytogenetic location: 8q11.21.
Variant type: single nucleotide variant.
Coding change: c.4048A>C on transcript NM_006904.7 (MANE Select); coding-DNA position 4048, A replaced by C.
Protein change: p.Asn1350His; replaces asparagine 1350 with histidine.
Molecular consequence: missense variant.
Genome position (GRCh38, 1-based): chr8:47,890,280, T>G on the plus strand (A>C on the coding strand, the complement: PRKDC is on the minus strand). VCF-style: chr8-47890280-T-G. GRCh37 (hg19) VCF-style: chr8-48802841-T-G.
Other names: c.4048A>C, p.Asn1350His (NM_001081640.2); short protein forms N1350H.
Identifiers: ClinVar variation 1737329 (VCV001737329.2), dbSNP rs2551873913, ClinGen allele CA371148302.
Genomic context (GRCh38, chr8:47,890,280, plus strand): 5'-TACCAAAAACTGACCTCAAATTAACAGAGCAGCCTACCTTCCATCCTTCCGGGGAGGTGT[T>G]TAGCAGAGTCGTGGTAAACTCCATAATCCGGACCACAACGGTGCATTTGCTGTAGTTGTA-3'
Protein context (NP_008835.5, residues 1340-1360): RIMEFTTTLL[Asn1350His]TSPEGWKLLK

ClinVar aggregate classification (germline): Uncertain significance (1 of 4 stars; one submission).

Submission:

Ambry Genetics
Classification: Uncertain significance. Last evaluated: 2021-08-29. Review status: criteria provided, single submitter. Criteria: Ambry Variant Classification Scheme 2023. Collection method: clinical testing. Allele origin: germline.
Comment: The p.N1350H variant (also known as c.4048A>C), located in coding exon 32 of the PRKDC gene, results from an A to C substitution at nucleotide position 4048. The asparagine at codon 1350 is replaced by histidine, an amino acid with similar properties. This amino acid position is conserved. In addition, this alteration is predicted to be tolerated by in silico analysis. Since supporting evidence is limited at this time, the clinical significance of this alteration remains unclear.